The following is an entry in ClinVar:

NM_000334.4(SCN4A):c.2143G>A (p.Ala715Thr)

Genes: GH-LCR (growth hormone locus control region; plus strand), SCN4A (sodium voltage-gated channel alpha subunit 4; minus strand). Cytogenetic location: 17q23.3.
Variant type: single nucleotide variant.
Coding change: c.2143G>A on transcript NM_000334.4 (MANE Select); coding-DNA position 2143, G replaced by A.
Protein change: p.Ala715Thr; replaces alanine 715 with threonine.
Molecular consequence: missense variant.
Genome position (GRCh38, 1-based): chr17:63,957,395, C>T on the plus strand (G>A on the coding strand, the complement: SCN4A is on the minus strand). VCF-style: chr17-63957395-C-T. GRCh37 (hg19) VCF-style: chr17-62034755-C-T.
Other names: short protein forms A715T.
Identifiers: ClinVar variation 1359989 (VCV001359989.8), dbSNP rs749400108, ClinGen allele CA8709651.

ClinVar aggregate classification (germline): Pathogenic. Review status: criteria provided, multiple submitters, no conflicts (2 of 4 stars). 2 submissions from 2 submitters: Pathogenic (2). Last evaluated 2026-01-04.

Conditions:
Hyperkalemic periodic paralysis. Also called: Familial hyperkalemic periodic paralysis; Gamstorp disease. Identifiers: Orphanet 682, MedGen C0238357, MONDO:0008224, OMIM 170500, HP:0007215.

Allele frequency attached by ClinVar (database versions not stated): ExAC 0.00001; gnomAD exomes 0.00001.

Submissions (2):

Labcorp Genetics (formerly Invitae), Labcorp
Classification: Pathogenic for Hyperkalemic periodic paralysis. Last evaluated: 2026-01-04. Review status: criteria provided, single submitter. Criteria: Invitae Variant Classification Sherloc (09022015). Collection method: clinical testing. Allele origin: germline.
Comment: This sequence change replaces alanine, which is neutral and non-polar, with threonine, which is neutral and polar, at codon 715 of the SCN4A protein (p.Ala715Thr). This variant is present in population databases (rs749400108, gnomAD 0.0009%). This missense change has been observed in individuals with clinical features of autosomal dominant paramyotonia congenita (PMID: 16786525, 33965302; internal data). ClinVar contains an entry for this variant (Variation ID: 1359989). Invitae Evidence Modeling of protein sequence and biophysical properties (such as structural, functional, and spatial information, amino acid conservation, physicochemical variation, residue mobility, and thermodynamic stability) indicates that this missense variant is expected to disrupt SCN4A protein function with a positive predictive value of 80%. This variant disrupts the p.Ala715 amino acid residue in SCN4A. Other variant(s) that disrupt this residue have been observed in individuals with SCN4A-related conditions (PMID: 22094069; internal data), which suggests that this may be a clinically significant amino acid residue. For these reasons, this variant has been classified as Pathogenic.

GeneDx
Classification: Pathogenic. Last evaluated: 2025-12-01. Review status: criteria provided, single submitter. Criteria: GeneDx Variant Classification Process June 2021. Collection method: clinical testing. Allele origin: germline.
Comment: Published functional studies demonstrate the variant impacts channel dynamics consistent with gain of function (PMID: 40344301); In silico analysis supports that this missense variant has a deleterious effect on protein structure/function; Not observed at significant frequency in large population cohorts (gnomAD); This variant is associated with the following publications: (PMID: 19882638, 16786525, 38055022, 22094069, 36796140, 40344301, 33965302)

Literature cited by the submitters: PubMed 16786525 (cited by Labcorp Genetics (formerly Invitae), Labcorp); PubMed 33965302 (cited by Labcorp Genetics (formerly Invitae), Labcorp); PubMed 22094069 (cited by Labcorp Genetics (formerly Invitae), Labcorp).